The following is an entry in ClinVar:

ClinVar aggregate classification (germline): Benign (1 of 4 stars; one submission).

Allele frequency attached by ClinVar (database versions not stated): gnomAD 0.01834 and 0.01952; TOPMed 0.01999; 1000 Genomes Project 30x 0.02217; 1000 Genomes Project 0.02236.
gnomAD v4.1: 2,762 of 152,074 alleles (1.8%); highest among the groups gnomAD compares: African/African-American, 5.9%; 70 homozygotes.

Submission:

GeneDx
Classification: Benign. Last evaluated: 2018-06-14. Review status: criteria provided, single submitter. Criteria: GeneDx Variant Classification (06012015). Collection method: clinical testing. Allele origin: germline. Affected: yes.
Comment: This variant is considered likely benign or benign based on one or more of the following criteria: it is a conservative change, it occurs at a poorly conserved position in the protein, it is predicted to be benign by multiple in silico algorithms, and/or has population frequency not consistent with disease.

NM_000138.5(FBN1):c.2168-234C>T

Gene: FBN1 (fibrillin 1; minus strand). Cytogenetic location: 15q21.1.
Variant type: single nucleotide variant.
Coding change: c.2168-234C>T on transcript NM_000138.5 (MANE Select); 234 bases into the intron before coding-DNA position 2168, C replaced by T.
Molecular consequence: intron variant.
Genome position (GRCh38, 1-based): chr15:48,497,625, G>A on the plus strand (C>T on the coding strand, the complement: FBN1 is on the minus strand). VCF-style: chr15-48497625-G-A. GRCh37 (hg19) VCF-style: chr15-48789822-G-A.
Identifiers: ClinVar variation 679484 (VCV000679484.1), dbSNP rs73392185, ClinGen allele CA269540188.